The following is an entry in ClinVar:

ClinVar aggregate classification (germline): Uncertain significance (1 of 4 stars; one submission).

Conditions:
SEMA3B-related disorder. Also called: SEMA3B-related condition.

gnomAD v4.1: 3 of 1,569,416 alleles (0.00019%); highest among the groups gnomAD compares: Admixed American, 0.0019%; no homozygotes.

Submission:

PreventionGenetics, part of Exact Sciences
Classification: Uncertain significance for SEMA3B-related condition. Last evaluated: 2026-01-15. Review status: criteria provided, single submitter. Criteria: ACMG Guidelines, 2015. Collection method: clinical testing. Allele origin: germline.
Comment: The SEMA3B c.1295A>G variant is predicted to result in the amino acid substitution p.Asn432Ser. To our knowledge, this variant has not been reported in the literature or in a large population database (gnomAD), indicating this variant is rare. At this time, the clinical significance of this variant is uncertain due to the absence of conclusive functional and genetic evidence.

NM_001290060.2(SEMA3B):c.1280A>G (p.Asn427Ser)

Gene: SEMA3B (semaphorin 3B; plus strand). Cytogenetic location: 3p21.31.
Variant type: single nucleotide variant.
Coding change: c.1280A>G on transcript NM_001290060.2 (MANE Select); coding-DNA position 1280, A replaced by G.
Protein change: p.Asn427Ser; replaces asparagine 427 with serine.
Molecular consequence: missense variant. On other transcripts: non-coding transcript variant (1).
Genome position (GRCh38, 1-based): chr3:50,274,505, A>G. VCF-style: chr3-50274505-A-G. GRCh37 (hg19) VCF-style: chr3-50311936-A-G.
Other names: c.1277A>G, p.Asn426Ser (NM_001005914.3, NM_001435957.1, NM_001435958.1); c.1295A>G, p.Asn432Ser (NM_001290061.1); c.251A>G, p.Asn84Ser (NM_001290062.2, NM_001290063.2); c.1280A>G, p.Asn427Ser (NM_001435956.1, NM_004636.4); short protein forms N426S, N432S, N427S, N84S.
Identifiers: ClinVar variation 4990531 (VCV004990531.1).